The following is an entry in ClinVar:

ClinVar aggregate classification (germline): Uncertain significance (1 of 4 stars; one submission).

Conditions:
Cardiovascular phenotype. Identifiers: MedGen CN230736.

Submission:

Ambry Genetics
Classification: Uncertain significance for Cardiovascular phenotype. Last evaluated: 2022-03-12. Review status: criteria provided, single submitter. Criteria: Ambry Variant Classification Scheme 2023. Collection method: clinical testing. Allele origin: germline.
Comment: The p.P378L variant (also known as c.1133C>T), located in coding exon 8 of the TBX20 gene, results from a C to T substitution at nucleotide position 1133. The proline at codon 378 is replaced by leucine, an amino acid with similar properties. This amino acid position is conserved. In addition, the in silico prediction for this alteration is inconclusive. Since supporting evidence is limited at this time, the clinical significance of this alteration remains unclear.

NM_001077653.2(TBX20):c.1133C>T (p.Pro378Leu)

Gene: TBX20 (T-box transcription factor 20; minus strand). Cytogenetic location: 7p14.2.
Variant type: single nucleotide variant.
Coding change: c.1133C>T on transcript NM_001077653.2 (MANE Select); coding-DNA position 1133, C replaced by T.
Protein change: p.Pro378Leu; replaces proline 378 with leucine.
Molecular consequence: missense variant.
Genome position (GRCh38, 1-based): chr7:35,202,641, G>A on the plus strand (C>T on the coding strand, the complement: TBX20 is on the minus strand). VCF-style: chr7-35202641-G-A. GRCh37 (hg19) VCF-style: chr7-35242253-G-A.
Other names: short protein forms P378L.
Identifiers: ClinVar variation 1729050 (VCV001729050.2), dbSNP rs1789323082, ClinGen allele CA367263144.